The following is an entry in ClinVar:

NM_014874.4(MFN2):c.2157G>A (p.Lys719=)

Gene: MFN2 (mitofusin 2; plus strand). Cytogenetic location: 1p36.22.
Variant type: single nucleotide variant.
Coding change: c.2157G>A on transcript NM_014874.4 (MANE Select); coding-DNA position 2157, G replaced by A.
Protein change: p.Lys719=; no amino-acid change (lysine 719 retained).
Molecular consequence: synonymous variant.
Genome position (GRCh38, 1-based): chr1:12,009,679, G>A. VCF-style: chr1-12009679-G-A. GRCh37 (hg19) VCF-style: chr1-12069736-G-A.
Other names: c.2157G>A, p.Lys719= (NM_001127660.2).
Identifiers: ClinVar variation 378135 (VCV000378135.62), dbSNP rs148441213, ClinGen allele CA599346.

ClinVar aggregate classification (germline): Conflicting classifications of pathogenicity. Review status: criteria provided, conflicting classifications (1 of 4 stars). 9 submissions from 8 submitters: Uncertain significance (1); Likely benign (8). Last evaluated 2026-04-01.

Conditions:
MFN2-related disorder. Also called: MFN2-related condition; MFN2-related disorders.
Inborn genetic diseases. Identifiers: MedGen C0950123, MeSH D030342.
Charcot-Marie-Tooth disease. Also called: Charcot-Marie-Tooth Neuropathy; Charcot-Marie-Tooth Hereditary Neuropathy. Identifiers: Orphanet 166, MedGen C0007959, MONDO:0015626.
Hereditary motor and sensory neuropathy with optic atrophy. Also called: PERIPHERAL NEUROPATHY AND OPTIC ATROPHY; CHARCOT-MARIE-TOOTH DISEASE, TYPE 6. Identifiers: Orphanet 90120, MedGen C0393807, MONDO:0019551.
Charcot-Marie-Tooth disease type 2. Also called: Charcot-Marie-Tooth type 2. Identifiers: Orphanet 64746, MedGen C0270914, MONDO:0018993.

Allele frequency attached by ClinVar (database versions not stated): TOPMed 0.00010; gnomAD exomes 0.00012 and 0.00014; ESP Exome Variant Server 0.00015; gnomAD 0.00015 and 0.00017; ExAC 0.00019.

Submissions (9):

CeGaT Center for Human Genetics Tuebingen
Classification: Likely benign. Last evaluated: 2026-04-01. Review status: criteria provided, single submitter. Criteria: CeGaT Center For Human Genetics Tuebingen Variant Classification Criteria Version 2. Collection method: clinical testing. Allele origin: germline. Affected: yes. Observed: 2 variant alleles.
Comment: MFN2: BP4, BP7

Labcorp Genetics (formerly Invitae), Labcorp
Classification: Likely benign for Charcot-Marie-Tooth disease type 2. Last evaluated: 2025-11-08. Review status: criteria provided, single submitter. Criteria: Invitae Variant Classification Sherloc (09022015). Collection method: clinical testing. Allele origin: germline.

PreventionGenetics, part of Exact Sciences
Classification: Likely benign for MFN2-related condition. Last evaluated: 2025-03-08. Review status: criteria provided, single submitter. Criteria: ACMG Guidelines, 2015. Collection method: clinical testing. Allele origin: germline.
Comment: This variant is classified as likely benign based on ACMG/AMP sequence variant interpretation guidelines (Richards et al. 2015 PMID: 25741868, with internal and published modifications).

Blueprint Genetics
Classification: Likely benign. Last evaluated: 2024-10-15. Review status: criteria provided, single submitter. Criteria: ACMG Guidelines, 2015. Collection method: clinical testing. Allele origin: germline.

GeneDx
Classification: Likely benign. Last evaluated: 2020-09-03. Review status: criteria provided, single submitter. Criteria: GeneDx Variant Classification Process June 2021. Collection method: clinical testing. Allele origin: germline. Affected: yes.

Ambry Genetics
Classification: Likely benign for Inborn genetic diseases. Last evaluated: 2019-07-11. Review status: criteria provided, single submitter. Criteria: Ambry Variant Classification Scheme 2023. Collection method: clinical testing. Allele origin: germline.

Illumina Laboratory Services, Illumina
Classification: Likely benign for Charcot-Marie-Tooth disease, type 2. Last evaluated: 2017-04-27. Review status: criteria provided, single submitter. Criteria: ICSL Variant Classification Criteria 13 December 2019. Collection method: clinical testing. Allele origin: germline.
Comment: This variant was observed as part of a predisposition screen in an ostensibly healthy population. A literature search was performed for the gene, cDNA change, and amino acid change (where applicable). No publications were found based on this search. Allele frequency data from public databases allowed determination this variant is unlikely to cause disease. Therefore, this variant is classified as likely benign.

Illumina Laboratory Services, Illumina
Classification: Uncertain significance for Neuropathy, hereditary motor and sensory, type 6A. Last evaluated: 2017-04-27. Review status: criteria provided, single submitter. Criteria: ICSL Variant Classification Criteria 13 December 2019. Collection method: clinical testing. Allele origin: germline.
Comment: This variant was observed as part of a predisposition screen in an ostensibly healthy population. A literature search was performed for the gene, cDNA change, and amino acid change (where applicable). Publications were found based on this search. However, the evidence from the literature, in combination with allele frequency data from public databases where available, was not sufficient to rule this variant in or out of causing disease. Therefore, this variant is classified as a variant of unknown significance.

Molecular Genetics Laboratory, London Health Sciences Centre
Classification: Likely benign for Charcot-Marie-Tooth disease. Review status: criteria provided, single submitter. Criteria: ACMG Guidelines, 2015. Collection method: clinical testing. Allele origin: germline. Affected: yes.

Literature cited by the submitters: PubMed 26085578 (cited by Illumina Laboratory Services, Illumina).